The following is an entry in ClinVar:

NM_001013838.3(CARMIL2):c.1335-7C>G

Gene: CARMIL2 (capping protein regulator and myosin 1 linker 2; plus strand). Cytogenetic location: 16q22.1.
Variant type: single nucleotide variant.
Coding change: c.1335-7C>G on transcript NM_001013838.3 (MANE Select); 7 bases into the intron before coding-DNA position 1335, C replaced by G.
Molecular consequence: intron variant.
Genome position (GRCh38, 1-based): chr16:67,648,391, C>G. VCF-style: chr16-67648391-C-G. GRCh37 (hg19) VCF-style: chr16-67682294-C-G.
Other names: c.1227-7C>G (NM_001317026.3).
Identifiers: ClinVar variation 1496169 (VCV001496169.6), dbSNP rs879682545, ClinGen allele CA283204091.

ClinVar aggregate classification (germline): Uncertain significance (1 of 4 stars; one submission).

Allele frequency attached by ClinVar (database versions not stated): gnomAD 0.00006; TOPMed 0.00010.

Submission:

Labcorp Genetics (formerly Invitae), Labcorp
Classification: Uncertain significance. Last evaluated: 2026-01-19. Review status: criteria provided, single submitter. Criteria: Invitae Variant Classification Sherloc (09022015). Collection method: clinical testing. Allele origin: germline.
Comment: This sequence change falls in intron 14 of the CARMIL2 gene. It does not directly change the encoded amino acid sequence of the CARMIL2 protein. This variant is present in population databases (no rsID available, gnomAD 0.01%). This variant has not been reported in the literature in individuals affected with CARMIL2-related conditions. ClinVar contains an entry for this variant (Variation ID: 1496169). Algorithms developed to predict the effect of sequence changes on RNA splicing suggest that this variant may disrupt the consensus splice site. In summary, the available evidence is currently insufficient to determine the role of this variant in disease. Therefore, it has been classified as a Variant of Uncertain Significance.